The following is an entry in ClinVar:

NM_002979.5(SCP2):c.137C>T (p.Ala46Val)

Gene: SCP2 (sterol carrier protein 2; plus strand). Cytogenetic location: 1p32.3.
Variant type: single nucleotide variant.
Coding change: c.137C>T on transcript NM_002979.5 (MANE Select); coding-DNA position 137, C replaced by T.
Protein change: p.Ala46Val; replaces alanine 46 with valine.
Molecular consequence: missense variant. On other transcripts: 5 prime UTR variant (1), intron variant (1).
Genome position (GRCh38, 1-based): chr1:52,948,018, C>T. VCF-style: chr1-52948018-C-T. GRCh37 (hg19) VCF-style: chr1-53413690-C-T.
Other names: c.137C>T, p.Ala46Val (NM_001007098.3, NM_001193600.2, NM_001330587.2); c.-107C>T (NM_001193617.2); c.128-2737C>T (NM_001193599.2); c.137C>T (NM_002979.4); short protein forms A46V.
Identifiers: ClinVar variation 1396897 (VCV001396897.4), dbSNP rs377136053, ClinGen allele CA22593319.

ClinVar aggregate classification (germline): Uncertain significance. Review status: criteria provided, multiple submitters, no conflicts (2 of 4 stars). 2 submissions from 2 submitters: Uncertain significance (2). Last evaluated 2025-02-28.

Allele frequency attached by ClinVar (database versions not stated): gnomAD exomes below 0.00001; gnomAD 0.00003 and 0.00004; TOPMed 0.00005; ESP Exome Variant Server 0.00008.
gnomAD v4.1: 11 of 1,611,858 alleles (0.00068%); highest among the groups gnomAD compares: African/African-American, 0.015%; no homozygotes.

Submissions (2):

Ambry Genetics
Classification: Uncertain significance. Last evaluated: 2025-02-28. Review status: criteria provided, single submitter. Criteria: Ambry Variant Classification Scheme 2023. Collection method: clinical testing. Allele origin: germline.

Labcorp Genetics (formerly Invitae), Labcorp
Classification: Uncertain significance. Last evaluated: 2021-12-13. Review status: criteria provided, single submitter. Criteria: Invitae Variant Classification Sherloc (09022015). Collection method: clinical testing. Allele origin: germline.
Comment: This sequence change replaces alanine, which is neutral and non-polar, with valine, which is neutral and non-polar, at codon 46 of the SCP2 protein (p.Ala46Val). This variant is present in population databases (rs377136053, gnomAD 0.007%). This variant has not been reported in the literature in individuals affected with SCP2-related conditions. Algorithms developed to predict the effect of missense changes on protein structure and function are either unavailable or do not agree on the potential impact of this missense change (SIFT: "Deleterious"; PolyPhen-2: "Probably Damaging"; Align-GVGD: "Class C0"). Algorithms developed to predict the effect of sequence changes on RNA splicing suggest that this variant may create or strengthen a splice site. In summary, the available evidence is currently insufficient to determine the role of this variant in disease. Therefore, it has been classified as a Variant of Uncertain Significance.